The following is an entry in ClinVar:

NM_152703.5(SAMD9L):c.2243C>T (p.Thr748Ile)

Gene: SAMD9L (sterile alpha motif domain containing 9 like; minus strand). Cytogenetic location: 7q21.2.
Variant type: single nucleotide variant.
Coding change: c.2243C>T on transcript NM_152703.5 (MANE Select); coding-DNA position 2243, C replaced by T.
Protein change: p.Thr748Ile; replaces threonine 748 with isoleucine.
Molecular consequence: missense variant.
Genome position (GRCh38, 1-based): chr7:93,133,729, G>A on the plus strand (C>T on the coding strand, the complement: SAMD9L is on the minus strand). VCF-style: chr7-93133729-G-A. GRCh37 (hg19) VCF-style: chr7-92763042-G-A.
Other names: c.2243C>T, p.Thr748Ile (NM_001303496.3, NM_001303497.3, NM_001303498.3 and 5 more transcripts); short protein forms T748I.
Identifiers: ClinVar variation 4159307 (VCV004159307.1).

ClinVar aggregate classification (germline): Uncertain significance (1 of 4 stars; one submission).

Conditions:
Inborn genetic diseases. Identifiers: MedGen C0950123, MeSH D030342.

Submission:

Ambry Genetics
Classification: Uncertain significance for Inborn genetic diseases. Last evaluated: 2025-07-07. Review status: criteria provided, single submitter. Criteria: Ambry Variant Classification Scheme 2023. Collection method: clinical testing. Allele origin: germline.
Comment: The p.T748I variant (also known as c.2243C>T), located in coding exon 1 of the SAMD9L gene, results from a C to T substitution at nucleotide position 2243. The threonine at codon 748 is replaced by isoleucine, an amino acid with similar properties. This amino acid position is conserved. In addition, this alteration is predicted to be deleterious by in silico analysis. Based on the available evidence, the clinical significance of this variant remains unclear.